The following is an entry in ClinVar:

ClinVar aggregate classification (germline): Likely benign (1 of 4 stars; one submission).

Submission:

CeGaT Center for Human Genetics Tuebingen
Classification: Likely benign. Last evaluated: 2025-04-01. Review status: criteria provided, single submitter. Criteria: CeGaT Center For Human Genetics Tuebingen Variant Classification Criteria Version 2. Collection method: clinical testing. Allele origin: germline. Affected: yes. Observed: 1 variant allele.
Comment: MKI67: BP4, BP7

NM_002417.5(MKI67):c.7632G>A (p.Arg2544=)

Gene: MKI67 (marker of proliferation Ki-67; minus strand). Cytogenetic location: 10q26.2.
Variant type: single nucleotide variant.
Coding change: c.7632G>A on transcript NM_002417.5 (MANE Select); coding-DNA position 7632, G replaced by A.
Protein change: p.Arg2544=; no amino-acid change (arginine 2544 retained).
Molecular consequence: synonymous variant.
Genome position (GRCh38, 1-based): chr10:128,104,208, C>T on the plus strand (G>A on the coding strand, the complement: MKI67 is on the minus strand). VCF-style: chr10-128104208-C-T. GRCh37 (hg19) VCF-style: chr10-129902472-C-T.
Other names: c.6552G>A, p.Arg2184= (NM_001145966.2).
Identifiers: ClinVar variation 3898206 (VCV003898206.7).
Genomic context (GRCh38, chr10:128,104,208, plus strand): 5'-CTCTTTGAAGTCAACCAGGTCTTCTAGAGCACGGGCCTTTTCCTTACGAGTTCTCAGCTG[C>T]CTCCTGCTACCAGTTACACTTGCTGCTGGGTCCAGGATCTGCTTTGGAGACTCCTTAAAC-3'
Protein context (NP_002408.3, residues 2534-2554): DPAASVTGSR[Arg2544=]QLRTRKEKAR